The following is an entry in ClinVar:

ClinVar aggregate classification (germline): Pathogenic (1 of 4 stars; one submission).

Submission:

Labcorp Genetics (formerly Invitae), Labcorp
Classification: Pathogenic. Last evaluated: 2024-05-23. Review status: criteria provided, single submitter. Criteria: Invitae Variant Classification Sherloc (09022015). Collection method: clinical testing. Allele origin: germline.
Comment: This sequence change creates a premature translational stop signal (p.Lys930*) in the KIF11 gene. It is expected to result in an absent or disrupted protein product. Loss-of-function variants in KIF11 are known to be pathogenic (PMID: 22284827, 24281367). This variant is not present in population databases (gnomAD no frequency). This variant has not been reported in the literature in individuals affected with KIF11-related conditions. For these reasons, this variant has been classified as Pathogenic.

Literature cited by the submitters: PubMed 22284827; PubMed 24281367.

NM_004523.4(KIF11):c.2788A>T (p.Lys930Ter)

Gene: KIF11 (kinesin family member 11; plus strand). Cytogenetic location: 10q23.33.
Variant type: single nucleotide variant.
Coding change: c.2788A>T on transcript NM_004523.4 (MANE Select); coding-DNA position 2788, A replaced by T.
Protein change: p.Lys930Ter; replaces lysine 930 with a stop codon.
Molecular consequence: nonsense.
Genome position (GRCh38, 1-based): chr10:92,649,852, A>T. VCF-style: chr10-92649852-A-T. GRCh37 (hg19) VCF-style: chr10-94409609-A-T.
Other names: short protein forms K930*.
Identifiers: ClinVar variation 3654397 (VCV003654397.2).